The following is an entry in ClinVar:

NM_002526.4(NT5E):c.1060C>T (p.Arg354Cys)

Gene: NT5E (5'-nucleotidase ecto; plus strand). Cytogenetic location: 6q14.3.
Variant type: single nucleotide variant.
Coding change: c.1060C>T on transcript NM_002526.4 (MANE Select); coding-DNA position 1060, C replaced by T.
Protein change: p.Arg354Cys; replaces arginine 354 with cysteine.
Molecular consequence: missense variant.
Genome position (GRCh38, 1-based): chr6:85,487,445, C>T. VCF-style: chr6-85487445-C-T. GRCh37 (hg19) VCF-style: chr6-86197163-C-T.
Other names: c.1060C>T, p.Arg354Cys (NM_001204813.2); short protein forms R354C.
Identifiers: ClinVar variation 4979501 (VCV004979501.1).

ClinVar aggregate classification (germline): Uncertain significance (1 of 4 stars; one submission).

Conditions:
NT5E-related disorder. Also called: NT5E-related condition.

gnomAD v4.1: 157 of 1,614,094 alleles (0.0097%); highest among the groups gnomAD compares: Middle Eastern, 0.13%; 1 homozygote.

Submission:

PreventionGenetics, part of Exact Sciences
Classification: Uncertain significance for NT5E-related condition. Last evaluated: 2024-10-24. Review status: criteria provided, single submitter. Criteria: ACMG Guidelines, 2015. Collection method: clinical testing. Allele origin: germline.
Comment: The NT5E c.1060C>T variant is predicted to result in the amino acid substitution p.Arg354Cys. To our knowledge, this variant has not been reported in the literature. This variant is reported in 0.046% of alleles in individuals of South Asian descent in gnomAD. At this time, the clinical significance of this variant is uncertain due to the absence of conclusive functional and genetic evidence.